The following is an entry in ClinVar:

ClinVar aggregate classification (germline): Uncertain significance (1 of 4 stars; one submission).

Submission:

GeneDx
Classification: Uncertain significance. Last evaluated: 2017-10-24. Review status: criteria provided, single submitter. Criteria: GeneDx Variant Classification (06012015). Collection method: clinical testing. Allele origin: germline. Affected: yes.
Comment: The D450H variant in the ALDH5A1 gene has not been reported previously as a pathogenic variant, nor as a benign variant, to our knowledge. This variant is not observed in large population cohorts (Lek et al., 2016). The D450H variant is a non-conservative amino acid substitution, which is likely to impact secondary protein structure as these residues differ in polarity, charge, size and/or other properties. However, this substitution occurs at a position that is not conserved across species, and in silico analysis is inconsistent in its predictions as to whether or not the variant is damaging to the protein structure/function. We interpret D450H as a variant of uncertain significance.

NM_001080.3(ALDH5A1):c.1348G>C (p.Asp450His)

Gene: ALDH5A1 (aldehyde dehydrogenase 5 family member A1; plus strand). Cytogenetic location: 6p22.3.
Variant type: single nucleotide variant.
Coding change: c.1348G>C on transcript NM_001080.3 (MANE Select); coding-DNA position 1348, G replaced by C.
Protein change: p.Asp450His; replaces aspartic acid 450 with histidine.
Molecular consequence: missense variant.
Genome position (GRCh38, 1-based): chr6:24,532,123, G>C. VCF-style: chr6-24532123-G-C. GRCh37 (hg19) VCF-style: chr6-24532351-G-C.
Other names: c.1204G>C, p.Asp402His (NM_001368954.1); c.1387G>C, p.Asp463His (NM_170740.1); short protein forms D450H, D463H, D402H.
Identifiers: ClinVar variation 452799 (VCV000452799.2), dbSNP rs144177566, ClinGen allele CA362966743.